The following is an entry in ClinVar:

ClinVar aggregate classification (germline): Conflicting classifications of pathogenicity. Review status: criteria provided, conflicting classifications (1 of 4 stars). 3 submissions from 3 submitters: Uncertain significance (2); Benign (1). Last evaluated 2025-12-29.

Conditions:
Inborn genetic diseases. Identifiers: MedGen C0950123, MeSH D030342.
PIEZO1-related disorder. Also called: PIEZO1-related condition; PIEZO1-Related Disorders.

gnomAD v4.1: 20 of 1,535,804 alleles (0.0013%); highest among the groups gnomAD compares: Middle Eastern, 0.017%; no homozygotes.

Submissions (3):

Labcorp Genetics (formerly Invitae), Labcorp
Classification: Benign. Last evaluated: 2025-12-29. Review status: criteria provided, single submitter. Criteria: Invitae Variant Classification Sherloc (09022015). Collection method: clinical testing. Allele origin: germline.

PreventionGenetics, part of Exact Sciences
Classification: Uncertain significance for PIEZO1-related condition. Last evaluated: 2024-12-14. Review status: criteria provided, single submitter. Criteria: ACMG Guidelines, 2015. Collection method: clinical testing. Allele origin: germline.
Comment: The PIEZO1 c.1052G>A variant is predicted to result in the amino acid substitution p.Arg351Gln. To our knowledge, this variant has not been reported in the literature. This variant is reported in 0.0088% of alleles in individuals of South Asian descent in gnomAD. At this time, the clinical significance of this variant is uncertain due to the absence of conclusive functional and genetic evidence.

Ambry Genetics
Classification: Uncertain significance for Inborn genetic diseases. Last evaluated: 2024-08-14. Review status: criteria provided, single submitter. Criteria: Ambry Variant Classification Scheme 2023. Collection method: clinical testing. Allele origin: germline.

NM_001142864.4(PIEZO1):c.1052G>A (p.Arg351Gln)

Genes: HSALR1 (HSP90AB1 associated lncRNA 1; plus strand), PIEZO1 (piezo type mechanosensitive ion channel component 1 (Er blood group); minus strand). Cytogenetic location: 16q24.3.
Variant type: single nucleotide variant.
Coding change: c.1052G>A on transcript NM_001142864.4 (MANE Select); coding-DNA position 1052, G replaced by A.
Protein change: p.Arg351Gln; replaces arginine 351 with glutamine.
Molecular consequence: missense variant.
Genome position (GRCh38, 1-based): chr16:88,737,783, C>T on the plus strand (G>A on the coding strand, the complement: PIEZO1 is on the minus strand). VCF-style: chr16-88737783-C-T. GRCh37 (hg19) VCF-style: chr16-88804191-C-T.
Other names: c.1052G>A (NM_001142864.3); short protein forms R351Q.
Identifiers: ClinVar variation 3418211 (VCV003418211.3).